The following is an entry in ClinVar:

ClinVar aggregate classification (germline): Uncertain significance (1 of 4 stars; one submission).

Conditions:
Hereditary diffuse gastric adenocarcinoma (HDGC). Also called: DIFFUSE GASTRIC AND LOBULAR BREAST CANCER SYNDROME. Identifiers: Orphanet 26106, MedGen C1708349, MONDO:0007648, OMIM 137215.

Submission:

Labcorp Genetics (formerly Invitae), Labcorp
Classification: Uncertain significance for Hereditary diffuse gastric adenocarcinoma. Last evaluated: 2021-03-08. Review status: criteria provided, single submitter. Criteria: Invitae Variant Classification Sherloc (09022015). Collection method: clinical testing. Allele origin: germline.
Comment: This sequence change replaces isoleucine with phenylalanine at codon 435 of the CDH1 protein (p.Ile435Phe). The isoleucine residue is highly conserved and there is a small physicochemical difference between isoleucine and phenylalanine. In summary, the available evidence is currently insufficient to determine the role of this variant in disease. Therefore, it has been classified as a Variant of Uncertain Significance. Algorithms developed to predict the effect of missense changes on protein structure and function are either unavailable or do not agree on the potential impact of this missense change (SIFT: "Deleterious"; PolyPhen-2: "Benign"; Align-GVGD: "Class C0"). This variant has not been reported in the literature in individuals with CDH1-related conditions. This variant is not present in population databases (ExAC no frequency).

NM_004360.5(CDH1):c.1303A>T (p.Ile435Phe)

Gene: CDH1 (cadherin 1; plus strand). Cytogenetic location: 16q22.1.
Variant type: single nucleotide variant.
Coding change: c.1303A>T on transcript NM_004360.5 (MANE Select); coding-DNA position 1303, A replaced by T.
Protein change: p.Ile435Phe; replaces isoleucine 435 with phenylalanine.
Molecular consequence: missense variant. On other transcripts: 5 prime UTR variant (2), intron variant (1).
Genome position (GRCh38, 1-based): chr16:68,813,478, A>T. VCF-style: chr16-68813478-A-T. GRCh37 (hg19) VCF-style: chr16-68847381-A-T.
Other names: c.-313A>T (NM_001317185.2); c.-517A>T (NM_001317186.2); c.1137+1215A>T (NM_001317184.2); short protein forms I435F.
Identifiers: ClinVar variation 1486001 (VCV001486001.8), dbSNP rs864622644, ClinGen allele CA396461871.